The following is an entry in ClinVar:

ClinVar aggregate classification (germline): Uncertain significance (1 of 4 stars; one submission).

Conditions:
CHD8-related disorder. Also called: CHD8-related condition; CHD8-related disorders.

Submission:

PreventionGenetics, part of Exact Sciences
Classification: Uncertain significance for CHD8-related condition. Last evaluated: 2026-01-06. Review status: criteria provided, single submitter. Criteria: ACMG Guidelines, 2015. Collection method: clinical testing. Allele origin: germline.
Comment: The CHD8 c.5204G>T variant is predicted to result in the amino acid substitution p.Gly1735Val. To our knowledge, this variant has not been reported in the literature or in a large population database (gnomAD), indicating this variant is rare. At this time, the clinical significance of this variant is uncertain due to the absence of conclusive functional and genetic evidence.

NM_001170629.2(CHD8):c.5204G>T (p.Gly1735Val)

Gene: CHD8 (chromodomain helicase DNA binding protein 8; minus strand). Cytogenetic location: 14q11.2.
Variant type: single nucleotide variant.
Coding change: c.5204G>T on transcript NM_001170629.2 (MANE Select); coding-DNA position 5204, G replaced by T.
Protein change: p.Gly1735Val; replaces glycine 1735 with valine.
Molecular consequence: missense variant.
Genome position (GRCh38, 1-based): chr14:21,395,098, C>A on the plus strand (G>T on the coding strand, the complement: CHD8 is on the minus strand). VCF-style: chr14-21395098-C-A. GRCh37 (hg19) VCF-style: chr14-21863257-C-A.
Other names: c.4367G>T, p.Gly1456Val (NM_020920.4); short protein forms G1456V, G1735V.
Identifiers: ClinVar variation 4988021 (VCV004988021.1).